The following is an entry in ClinVar:

NM_001371928.1(AHDC1):c.2233C>T (p.Arg745Trp)

Gene: AHDC1 (AT-hook DNA binding motif containing 1; minus strand). Cytogenetic location: 1p36.11.
Variant type: single nucleotide variant.
Coding change: c.2233C>T on transcript NM_001371928.1 (MANE Select); coding-DNA position 2233, C replaced by T.
Protein change: p.Arg745Trp; replaces arginine 745 with tryptophan.
Molecular consequence: missense variant.
Genome position (GRCh38, 1-based): chr1:27,549,883, G>A on the plus strand (C>T on the coding strand, the complement: AHDC1 is on the minus strand). VCF-style: chr1-27549883-G-A. GRCh37 (hg19) VCF-style: chr1-27876394-G-A.
Other names: c.2233C>T, p.Arg745Trp (NM_001029882.3); short protein forms R745W.
Identifiers: ClinVar variation 2960683 (VCV002960683.3), dbSNP rs2019429543, ClinGen allele CA339232425.
Genomic context (GRCh38, chr1:27,549,883, plus strand): 5'-CTGCCTCCCCAAAGCCTGGGCCACTGGGCACCTGCTCTGGGAACAGAGTCCCATTCTTCC[G>A]GGACCGTCTCTTGCGCTTTGGCTTCCCAGTCACAGCGTCTACCTCCCCCCGGCCCCGTTT-3'
Protein context (NP_001358857.1, residues 735-755): TGKPKRKRRS[Arg745Trp]KNGTLFPEQV

ClinVar aggregate classification (germline): Uncertain significance (1 of 4 stars; one submission).

Allele frequency attached by ClinVar (database versions not stated): gnomAD exomes below 0.00001; TOPMed 0.00001.
gnomAD v4.1: 2 of 1,613,564 alleles (0.00012%); highest among the groups gnomAD compares: Non-Finnish European, 0.00017%; no homozygotes.

Submission:

Labcorp Genetics (formerly Invitae), Labcorp
Classification: Uncertain significance. Last evaluated: 2023-10-17. Review status: criteria provided, single submitter. Criteria: Invitae Variant Classification Sherloc (09022015). Collection method: clinical testing. Allele origin: germline.
Comment: This sequence change replaces arginine, which is basic and polar, with tryptophan, which is neutral and slightly polar, at codon 745 of the AHDC1 protein (p.Arg745Trp). This variant is not present in population databases (gnomAD no frequency). This variant has not been reported in the literature in individuals affected with AHDC1-related conditions. An algorithm developed to predict the effect of missense changes on protein structure and function (PolyPhen-2) suggests that this variant is likely to be disruptive. In summary, the available evidence is currently insufficient to determine the role of this variant in disease. Therefore, it has been classified as a Variant of Uncertain Significance.